The following is an entry in ClinVar:

ClinVar aggregate classification (germline): Likely pathogenic. Review status: criteria provided, multiple submitters, no conflicts (2 of 4 stars). 2 submissions from 2 submitters: Likely pathogenic (2). Last evaluated 2020-10-23.

Conditions:
Myopathy, proximal, and ophthalmoplegia (CMYO6). Also called: INCLUSION BODY MYOPATHY 3, AUTOSOMAL DOMINANT; MYOPATHY WITH CONGENITAL JOINT CONTRACTURES, OPHTHALMOPLEGIA, AND RIMMED VACUOLES; CONGENITAL MYOPATHY 6 WITH OPHTHALMOPLEGIA. Identifiers: Orphanet 363677, Orphanet 79091, MedGen C1854106, MONDO:0011577, OMIM 605637.

Submissions (2):

Institute of Medical Genetics and Applied Genomics, University Hospital Tübingen
Classification: Likely pathogenic. Last evaluated: 2020-10-23. Review status: criteria provided, single submitter. Criteria: ACMG Guidelines, 2015. Collection method: clinical testing. Allele origin: germline. Inheritance: Unknown mechanism. Affected: yes.

Labcorp Genetics (formerly Invitae), Labcorp
Classification: Likely pathogenic for Myopathy, proximal, and ophthalmoplegia. Last evaluated: 2017-10-28. Review status: criteria provided, single submitter. Criteria: Invitae Variant Classification Sherloc (09022015). Collection method: clinical testing. Allele origin: germline.
Comment: This sequence change affects a donor splice site in intron 32 of the MYH2 gene. It is expected to disrupt RNA splicing and likely results in an absent or disrupted protein product. In summary, the currently available evidence indicates that the variant is pathogenic, but additional data are needed to prove that conclusively. Therefore, this variant has been classified as Likely Pathogenic. Donor and acceptor splice site variants typically lead to a loss of protein function (PMID: 16199547), and loss-of-function variants in MYH2 are known to be pathogenic (PMID: 20418530, 23388406, 24193343). This variant has not been reported in the literature in individuals with MYH2-related disease. This variant is not present in population databases (ExAC no frequency).

Literature cited by the submitters: PubMed 16199547 (cited by Labcorp Genetics (formerly Invitae), Labcorp); PubMed 20418530 (cited by Labcorp Genetics (formerly Invitae), Labcorp); PubMed 23388406 (cited by Labcorp Genetics (formerly Invitae), Labcorp); PubMed 24193343 (cited by Labcorp Genetics (formerly Invitae), Labcorp).

NM_017534.6(MYH2):c.4537+1G>C

Genes: MYHAS (myosin heavy chain gene cluster antisense RNA; plus strand), MYH2 (myosin heavy chain 2; minus strand), LOC126862500 (BRD4-independent group 4 enhancer GRCh37_chr17:10427829-10429028; plus strand). Cytogenetic location: 17p13.1.
Variant type: single nucleotide variant.
Coding change: c.4537+1G>C on transcript NM_017534.6 (MANE Select); the canonical splice donor site of the intron after coding-DNA position 4537, G replaced by C.
Molecular consequence: splice donor variant.
Genome position (GRCh38, 1-based): chr17:10,525,450, C>G on the plus strand (G>C on the coding strand, the complement: MYH2 is on the minus strand). VCF-style: chr17-10525450-C-G. GRCh37 (hg19) VCF-style: chr17-10428767-C-G.
Other names: c.4537+1G>C (NM_001100112.2).
Identifiers: ClinVar variation 576854 (VCV000576854.8), dbSNP rs567336764, ClinGen allele CA398125480.
Genomic context (GRCh38, chr17:10,525,450, plus strand): 5'-TGTGACATAAGGGAGAGATTCTTCCAAGTTATGAATATTATTGAATATGATAGGGACTTA[C>G]GCTGTAAGTTTTTGTTCTCTCGCTTCAGGGTTTCTAGCTGATCCAAAGATTCCTCATAGG-3'